The following is an entry in ClinVar:

ClinVar aggregate classification (germline): Uncertain significance (1 of 4 stars; one submission).

Conditions:
Charcot-Marie-Tooth disease, dominant intermediate G. Identifiers: MedGen C4693509, MONDO:0036484, OMIM 617882.

Submission:

MGZ Medical Genetics Center
Classification: Uncertain significance for Charcot-Marie-Tooth disease, dominant intermediate G. Last evaluated: 2022-05-30. Review status: criteria provided, single submitter. Criteria: ACMG Guidelines, 2015. Collection method: clinical testing. Allele origin: germline. Affected: yes. Observed: 1 variant allele.
Comment: ACMG criteria applied: PM2_SUP, PM5_SUP, PP3

NM_006158.5(NEFL):c.796G>C (p.Glu266Gln)

Gene: NEFL (neurofilament light chain; minus strand). Cytogenetic location: 8p21.2.
Variant type: single nucleotide variant.
Coding change: c.796G>C on transcript NM_006158.5 (MANE Select); coding-DNA position 796, G replaced by C.
Protein change: p.Glu266Gln; replaces glutamic acid 266 with glutamine.
Molecular consequence: missense variant.
Genome position (GRCh38, 1-based): chr8:24,955,720, C>G on the plus strand (G>C on the coding strand, the complement: NEFL is on the minus strand). VCF-style: chr8-24955720-C-G. GRCh37 (hg19) VCF-style: chr8-24813234-C-G.
Other names: short protein forms E266Q.
Identifiers: ClinVar variation 1709291 (VCV001709291.2), dbSNP rs1411999109, ClinGen allele CA370621612.